The following is an entry in ClinVar:

ClinVar aggregate classification (germline): Uncertain significance (1 of 4 stars; one submission).

Conditions:
Neuropathy, hereditary sensory and autonomic, type 2A (HSAN2A). Also called: ACROOSTEOLYSIS, GIACCAI TYPE; ACROOSTEOLYSIS, NEUROGENIC; MORVAN DISEASE; NEUROPATHY, CONGENITAL SENSORY; NEUROPATHY, HEREDITARY SENSORY RADICULAR, AUTOSOMAL RECESSIVE; NEUROPATHY, HEREDITARY SENSORY, TYPE IIA. Identifiers: Orphanet 970, MedGen C2752089, MONDO:0024309, OMIM 201300.
Pseudohypoaldosteronism type 2C (PHA2C). Also called: Pseudohypoaldosteronism Type IIC. Identifiers: Orphanet 757, Orphanet 88940, MedGen C1840391, MONDO:0013778, OMIM 614492.

Submission:

Labcorp Genetics (formerly Invitae), Labcorp
Classification: Uncertain significance for Neuropathy, hereditary sensory and autonomic, type 2A; Pseudohypoaldosteronism type 2C. Last evaluated: 2022-05-09. Review status: criteria provided, single submitter. Criteria: Invitae Variant Classification Sherloc (09022015). Collection method: clinical testing. Allele origin: germline.
Comment: This sequence change replaces glutamic acid, which is acidic and polar, with aspartic acid, which is acidic and polar, at codon 246 of the WNK1 protein (p.Glu246Asp). This variant is not present in population databases (gnomAD no frequency). This variant has not been reported in the literature in individuals affected with WNK1-related conditions. Advanced modeling of protein sequence and biophysical properties (such as structural, functional, and spatial information, amino acid conservation, physicochemical variation, residue mobility, and thermodynamic stability) performed at Invitae indicates that this missense variant is not expected to disrupt WNK1 protein function. In summary, the available evidence is currently insufficient to determine the role of this variant in disease. Therefore, it has been classified as a Variant of Uncertain Significance.

NM_018979.4(WNK1):c.738A>T (p.Glu246Asp)

Gene: WNK1 (WNK lysine deficient protein kinase 1; plus strand). Cytogenetic location: 12p13.33.
Variant type: single nucleotide variant.
Coding change: c.738A>T on transcript NM_018979.4 (MANE Select); coding-DNA position 738, A replaced by T.
Protein change: p.Glu246Asp; replaces glutamic acid 246 with aspartic acid.
Molecular consequence: missense variant.
Genome position (GRCh38, 1-based): chr12:754,303, A>T. VCF-style: chr12-754303-A-T. GRCh37 (hg19) VCF-style: chr12-863469-A-T.
Other names: c.738A>T, p.Glu246Asp (NM_001184985.2, NM_014823.3, NM_213655.5); short protein forms E246D.
Identifiers: ClinVar variation 2132569 (VCV002132569.4), dbSNP rs2547371296, ClinGen allele CA383308715.